The following is an entry in ClinVar:

NM_001854.4(COL11A1):c.4067C>G (p.Pro1356Arg)

Gene: COL11A1 (collagen type XI alpha 1 chain; minus strand). Cytogenetic location: 1p21.1.
Variant type: single nucleotide variant.
Coding change: c.4067C>G on transcript NM_001854.4 (MANE Select); coding-DNA position 4067, C replaced by G.
Protein change: p.Pro1356Arg; replaces proline 1356 with arginine.
Molecular consequence: missense variant. On other transcripts: non-coding transcript variant (1).
Genome position (GRCh38, 1-based): chr1:102,912,178, G>C on the plus strand (C>G on the coding strand, the complement: COL11A1 is on the minus strand). VCF-style: chr1-102912178-G-C. GRCh37 (hg19) VCF-style: chr1-103377734-G-C.
Other names: c.3950C>G, p.Pro1317Arg (NM_001190709.2); c.4103C>G, p.Pro1368Arg (NM_080629.3); c.3719C>G, p.Pro1240Arg (NM_080630.4); c.4067C>G (NM_001854.3); short protein forms P1317R, P1356R, P1240R, P1368R.
Identifiers: ClinVar variation 1477136 (VCV001477136.12), dbSNP rs986400534, ClinGen allele CA27674438.

ClinVar aggregate classification (germline): Conflicting classifications of pathogenicity. Review status: criteria provided, conflicting classifications (1 of 4 stars). 5 submissions from 5 submitters: Uncertain significance (4); Likely benign (1). Last evaluated 2026-02-26.

Conditions:
Inborn genetic diseases. Identifiers: MedGen C0950123, MeSH D030342.

Allele frequency attached by ClinVar (database versions not stated): gnomAD 0.00002 and 0.00003; TOPMed 0.00003.
gnomAD v4.1: 15 of 1,611,406 alleles (0.00093%); highest among the groups gnomAD compares: Admixed American, 0.0084%; no homozygotes.

Submissions (5):

Dasa
Classification: Uncertain significance. Last evaluated: 2026-02-26. Review status: criteria provided, single submitter. Criteria: DASA Assertion Criteria. Collection method: clinical testing. Allele origin: germline.
Comment: NM_001854.4(COL11A1):c.4067C>G (p.Pro1356Arg) is a missense variant that results in the substitution of proline with arginine. This variant is rare in population databases. Computational prediction algorithms are consistent with a deleterious effect. The currently available literature and clinical evidence are not sufficient to establish a definitive association between this variant and the reported condition. Therefore, this variant is classified as a variant of uncertain significance.

Labcorp Genetics (formerly Invitae), Labcorp
Classification: Likely benign. Last evaluated: 2026-02-02. Review status: criteria provided, single submitter. Criteria: Invitae Variant Classification Sherloc (09022015). Collection method: clinical testing. Allele origin: germline.

GeneDx
Classification: Uncertain significance. Last evaluated: 2025-01-21. Review status: criteria provided, single submitter. Criteria: GeneDx Variant Classification Process June 2021. Collection method: clinical testing. Allele origin: germline. Affected: yes.
Comment: Not observed at significant frequency in large population cohorts (gnomAD); In silico analysis supports that this missense variant has a deleterious effect on protein structure/function; Has not been previously published as pathogenic or benign to our knowledge

Ambry Genetics
Classification: Uncertain significance for Inborn genetic diseases. Last evaluated: 2023-09-23. Review status: criteria provided, single submitter. Criteria: Ambry Variant Classification Scheme 2023. Collection method: clinical testing. Allele origin: germline.

Blueprint Genetics
Classification: Uncertain significance. Last evaluated: 2023-01-23. Review status: criteria provided, single submitter. Criteria: ACMG Guidelines, 2015. Collection method: clinical testing. Allele origin: germline.